The following is an entry in ClinVar:

ClinVar aggregate classification (germline): Uncertain significance (1 of 4 stars; one submission).

Conditions:
Asphyxiating thoracic dystrophy 5 (SRTD5). Also called: SHORT-RIB THORACIC DYSPLASIA 5 WITH OR WITHOUT POLYDACTYLY; SHORT-RIB THORACIC DYSPLASIA 5 WITHOUT POLYDACTYLY. Identifiers: Orphanet 474, MedGen C3280598, MONDO:0013717, OMIM 614376.
Senior-Loken syndrome 8 (SLSN8). Identifiers: Orphanet 3156, MedGen C4225376, MONDO:0014579, OMIM 616307.

Submission:

Labcorp Genetics (formerly Invitae), Labcorp
Classification: Uncertain significance for Senior-Loken syndrome 8; Asphyxiating thoracic dystrophy 5. Last evaluated: 2023-11-27. Review status: criteria provided, single submitter. Criteria: Invitae Variant Classification Sherloc (09022015). Collection method: clinical testing. Allele origin: germline.
Comment: This sequence change replaces glycine, which is neutral and non-polar, with aspartic acid, which is acidic and polar, at codon 804 of the WDR19 protein (p.Gly804Asp). This variant is not present in population databases (gnomAD no frequency). This variant has not been reported in the literature in individuals affected with WDR19-related conditions. ClinVar contains an entry for this variant (Variation ID: 2120895). Advanced modeling of protein sequence and biophysical properties (such as structural, functional, and spatial information, amino acid conservation, physicochemical variation, residue mobility, and thermodynamic stability) has been performed at Invitae for this missense variant, however the output from this modeling did not meet the statistical confidence thresholds required to predict the impact of this variant on WDR19 protein function. In summary, the available evidence is currently insufficient to determine the role of this variant in disease. Therefore, it has been classified as a Variant of Uncertain Significance.

NM_025132.4(WDR19):c.2411G>A (p.Gly804Asp)

Gene: WDR19 (WD repeat domain 19; plus strand). Cytogenetic location: 4p14.
Variant type: single nucleotide variant.
Coding change: c.2411G>A on transcript NM_025132.4 (MANE Select); coding-DNA position 2411, G replaced by A.
Protein change: p.Gly804Asp; replaces glycine 804 with aspartic acid.
Molecular consequence: missense variant.
Genome position (GRCh38, 1-based): chr4:39,240,324, G>A. VCF-style: chr4-39240324-G-A. GRCh37 (hg19) VCF-style: chr4-39241944-G-A.
Other names: c.1931G>A, p.Gly644Asp (NM_001317924.2); short protein forms G804D, G644D.
Identifiers: ClinVar variation 2120895 (VCV002120895.3), dbSNP rs2475244757, ClinGen allele CA356637021.